The following is an entry in ClinVar:

NM_080680.3(COL11A2):c.574G>T (p.Gly192Cys)

Gene: COL11A2 (collagen type XI alpha 2 chain; minus strand). Cytogenetic location: 6p21.32.
Variant type: single nucleotide variant.
Coding change: c.574G>T on transcript NM_080680.3 (MANE Select); coding-DNA position 574, G replaced by T.
Protein change: p.Gly192Cys; replaces glycine 192 with cysteine.
Molecular consequence: missense variant. On other transcripts: 5 prime UTR variant (3), non-coding transcript variant (1).
Genome position (GRCh38, 1-based): chr6:33,188,394, C>A on the plus strand (G>T on the coding strand, the complement: COL11A2 is on the minus strand). VCF-style: chr6-33188394-C-A. GRCh37 (hg19) VCF-style: chr6-33156171-C-A.
Other names: c.574G>T, p.Gly192Cys (NM_001163771.2, NM_001424108.1, NM_080679.3 and 1 more transcripts); c.-273G>T (NM_001424109.1, NM_001424110.1, NM_001424111.1); short protein forms G192C.
Identifiers: ClinVar variation 2815675 (VCV002815675.3), dbSNP rs2535534057, ClinGen allele CA363611286.

ClinVar aggregate classification (germline): Uncertain significance (1 of 4 stars; one submission).

Submission:

Labcorp Genetics (formerly Invitae), Labcorp
Classification: Uncertain significance. Last evaluated: 2024-07-06. Review status: criteria provided, single submitter. Criteria: Invitae Variant Classification Sherloc (09022015). Collection method: clinical testing. Allele origin: germline.
Comment: This sequence change replaces glycine, which is neutral and non-polar, with cysteine, which is neutral and slightly polar, at codon 192 of the COL11A2 protein (p.Gly192Cys). This variant is not present in population databases (gnomAD no frequency). This variant has not been reported in the literature in individuals affected with COL11A2-related conditions. Advanced modeling of protein sequence and biophysical properties (such as structural, functional, and spatial information, amino acid conservation, physicochemical variation, residue mobility, and thermodynamic stability) performed at Invitae indicates that this missense variant is expected to disrupt COL11A2 protein function with a positive predictive value of 95%. In summary, the available evidence is currently insufficient to determine the role of this variant in disease. Therefore, it has been classified as a Variant of Uncertain Significance.